The following is an entry in ClinVar:

NM_014028.4(OSTM1):c.821A>G (p.Asn274Ser)

Gene: OSTM1 (osteoclastogenesis associated transmembrane protein 1; minus strand). Cytogenetic location: 6q21.
Variant type: single nucleotide variant.
Coding change: c.821A>G on transcript NM_014028.4 (MANE Select); coding-DNA position 821, A replaced by G.
Protein change: p.Asn274Ser; replaces asparagine 274 with serine.
Molecular consequence: missense variant.
Genome position (GRCh38, 1-based): chr6:108,049,381, T>C on the plus strand (A>G on the coding strand, the complement: OSTM1 is on the minus strand). VCF-style: chr6-108049381-T-C. GRCh37 (hg19) VCF-style: chr6-108370585-T-C.
Other names: short protein forms N274S.
Identifiers: ClinVar variation 2415050 (VCV002415050.3), dbSNP rs149798287, ClinGen allele CA3947952.

ClinVar aggregate classification (germline): Uncertain significance (1 of 4 stars; one submission).

Allele frequency attached by ClinVar (database versions not stated): gnomAD exomes 0.00001; ExAC 0.00002; gnomAD 0.00002; 1000 Genomes Project 30x 0.00047; 1000 Genomes Project 0.00060.
gnomAD v4.1: 11 of 1,613,878 alleles (0.00068%); highest among the groups gnomAD compares: African/African-American, 0.012%; no homozygotes.

Submission:

Labcorp Genetics (formerly Invitae), Labcorp
Classification: Uncertain significance. Last evaluated: 2022-10-27. Review status: criteria provided, single submitter. Criteria: Invitae Variant Classification Sherloc (09022015). Collection method: clinical testing. Allele origin: germline.
Comment: This sequence change replaces asparagine, which is neutral and polar, with serine, which is neutral and polar, at codon 274 of the OSTM1 protein (p.Asn274Ser). This variant is present in population databases (rs149798287, gnomAD 0.02%). This variant has not been reported in the literature in individuals affected with OSTM1-related conditions. Advanced modeling of protein sequence and biophysical properties (such as structural, functional, and spatial information, amino acid conservation, physicochemical variation, residue mobility, and thermodynamic stability) performed at Invitae indicates that this missense variant is not expected to disrupt OSTM1 protein function. In summary, the available evidence is currently insufficient to determine the role of this variant in disease. Therefore, it has been classified as a Variant of Uncertain Significance.